The following is an entry in ClinVar:

NM_170707.4(LMNA):c.22C>T (p.Arg8Cys)

Genes: LMNA (lamin A/C; plus strand), LOC129931597 (ATAC-STARR-seq lymphoblastoid silent region 1421; plus strand). Cytogenetic location: 1q22.
Variant type: single nucleotide variant.
Coding change: c.22C>T on transcript NM_170707.4 (MANE Select); coding-DNA position 22, C replaced by T.
Protein change: p.Arg8Cys; replaces arginine 8 with cysteine.
Molecular consequence: missense variant.
Genome position (GRCh38, 1-based): chr1:156,114,940, C>T. VCF-style: chr1-156114940-C-T. GRCh37 (hg19) VCF-style: chr1-156084731-C-T.
Other names: c.22C>T, p.Arg8Cys (NM_001282625.2, NM_001282626.2, NM_005572.4 and 1 more transcripts); short protein forms R8C.
Identifiers: ClinVar variation 1486547 (VCV001486547.6), dbSNP rs1649697783, ClinGen allele CA342806018.

ClinVar aggregate classification (germline): Uncertain significance (1 of 4 stars; one submission).

Conditions:
Charcot-Marie-Tooth disease type 2. Also called: Charcot-Marie-Tooth type 2. Identifiers: Orphanet 64746, MedGen C0270914, MONDO:0018993.

Submission:

Labcorp Genetics (formerly Invitae), Labcorp
Classification: Uncertain significance for Charcot-Marie-Tooth disease type 2. Last evaluated: 2024-08-20. Review status: criteria provided, single submitter. Criteria: Invitae Variant Classification Sherloc (09022015). Collection method: clinical testing. Allele origin: germline.
Comment: This sequence change replaces arginine, which is basic and polar, with cysteine, which is neutral and slightly polar, at codon 8 of the LMNA protein (p.Arg8Cys). This variant is not present in population databases (gnomAD no frequency). This variant has not been reported in the literature in individuals affected with LMNA-related conditions. ClinVar contains an entry for this variant (Variation ID: 1486547). Invitae Evidence Modeling of protein sequence and biophysical properties (such as structural, functional, and spatial information, amino acid conservation, physicochemical variation, residue mobility, and thermodynamic stability) indicates that this missense variant is expected to disrupt LMNA protein function with a positive predictive value of 95%. In summary, the available evidence is currently insufficient to determine the role of this variant in disease. Therefore, it has been classified as a Variant of Uncertain Significance.